The following is an entry in ClinVar:

ClinVar aggregate classification (germline): Conflicting classifications of pathogenicity. Review status: criteria provided, conflicting classifications (1 of 4 stars). 3 submissions from 3 submitters: Uncertain significance (2); Likely benign (1). Last evaluated 2026-02-03.

Conditions:
Hereditary pulmonary alveolar proteinosis. Also called: Pulmonary surfactant metabolism dysfunction. Identifiers: Orphanet 264675, MedGen C3711368, MONDO:0012580.

Allele frequency attached by ClinVar (database versions not stated): ExAC 0.00010; gnomAD 0.00031 and 0.00034; TOPMed 0.00044; ESP Exome Variant Server 0.00062.
gnomAD v4.1: 118 of 1,613,572 alleles (0.0073%); highest among the groups gnomAD compares: African/African-American, 0.11%; no homozygotes.

Submissions (3):

Ambry Genetics
Classification: Likely benign for Hereditary pulmonary alveolar proteinosis. Last evaluated: 2026-02-03. Review status: criteria provided, single submitter. Criteria: Ambry Variant Classification Scheme 2023. Collection method: clinical testing. Allele origin: germline.

Labcorp Genetics (formerly Invitae), Labcorp
Classification: Uncertain significance. Last evaluated: 2021-11-30. Review status: criteria provided, single submitter. Criteria: Invitae Variant Classification Sherloc (09022015). Collection method: clinical testing. Allele origin: germline.
Comment: This sequence change replaces alanine, which is neutral and non-polar, with threonine, which is neutral and polar, at codon 1281 of the ABCA3 protein (p.Ala1281Thr). This variant is present in population databases (rs141745439, gnomAD 0.1%). This variant has not been reported in the literature in individuals affected with ABCA3-related conditions. ClinVar contains an entry for this variant (Variation ID: 594477). Algorithms developed to predict the effect of missense changes on protein structure and function output the following: SIFT: "Tolerated"; PolyPhen-2: "Benign"; Align-GVGD: "Class C0". The threonine amino acid residue is found in multiple mammalian species, which suggests that this missense change does not adversely affect protein function. In summary, the available evidence is currently insufficient to determine the role of this variant in disease. Therefore, it has been classified as a Variant of Uncertain Significance.

Eurofins Ntd Llc (ga)
Classification: Uncertain significance. Last evaluated: 2017-10-17. Review status: criteria provided, single submitter. Criteria: EGL Classification Definitions 2015. Collection method: clinical testing. Allele origin: germline. Observed: 1 variant allele, 1 heterozygote.

NM_001089.3(ABCA3):c.3841G>A (p.Ala1281Thr)

Gene: ABCA3 (ATP binding cassette subfamily A member 3; minus strand). Cytogenetic location: 16p13.3.
Variant type: single nucleotide variant.
Coding change: c.3841G>A on transcript NM_001089.3 (MANE Select); coding-DNA position 3841, G replaced by A.
Protein change: p.Ala1281Thr; replaces alanine 1281 with threonine.
Molecular consequence: missense variant.
Genome position (GRCh38, 1-based): chr16:2,284,300, C>T on the plus strand (G>A on the coding strand, the complement: ABCA3 is on the minus strand). VCF-style: chr16-2284300-C-T. GRCh37 (hg19) VCF-style: chr16-2334301-C-T.
Other names: short protein forms A1281T.
Identifiers: ClinVar variation 594477 (VCV000594477.10), dbSNP rs141745439, ClinGen allele CA7840374.